The following is an entry in ClinVar:

NM_000038.6(APC):c.2022G>A (p.Leu674=)

Gene: APC (APC regulator of Wnt signaling pathway; plus strand). Cytogenetic location: 5q22.2.
Variant type: single nucleotide variant.
Coding change: c.2022G>A on transcript NM_000038.6 (MANE Select); coding-DNA position 2022, G replaced by A.
Protein change: p.Leu674=; no amino-acid change (leucine 674 retained).
Molecular consequence: synonymous variant. On other transcripts: non-coding transcript variant (2).
Genome position (GRCh38, 1-based): chr5:112,837,616, G>A. VCF-style: chr5-112837616-G-A. GRCh37 (hg19) VCF-style: chr5-112173313-G-A.
Other names: c.2022G>A, p.Leu674= (NM_001127510.3, NM_001354895.2, NM_001407450.1); c.1968G>A, p.Leu656= (NM_001127511.3); c.2076G>A, p.Leu692= (NM_001354896.2, NM_001407447.1, NM_001407448.1 and 1 more transcripts); c.2052G>A, p.Leu684= (NM_001354897.2); c.1947G>A, p.Leu649= (NM_001354898.2); c.1938G>A, p.Leu646= (NM_001354899.2); c.1899G>A, p.Leu633= (NM_001354900.2); c.1845G>A, p.Leu615= (NM_001354901.2, NM_001407453.1); and 11 more.
Identifiers: ClinVar variation 3148794 (VCV003148794.1), dbSNP rs2149858941, ClinGen allele CA445963332.

ClinVar aggregate classification (germline): Benign (1 of 4 stars; one submission).

Conditions:
Familial adenomatous polyposis 1 (FAP1). Also called: POLYPOSIS, ADENOMATOUS INTESTINAL; FAMILIAL ADENOMATOUS POLYPOSIS 1, ATTENUATED. Identifiers: MedGen C2713442, MONDO:0021056, OMIM 175100. Disease mechanism: loss of function.

Submission:

Myriad Genetics, Inc.
Classification: Benign for Familial adenomatous polyposis 1. Last evaluated: 2024-03-08. Review status: criteria provided, single submitter. Criteria: Myriad Autosomal Dominant, Autosomal Recessive and X-Linked Classification Criteria (2023). Collection method: clinical testing. Allele origin: unknown.
Comment: This variant is considered benign. This variant is a silent/synonymous amino acid change and it is not expected to impact splicing.